The following is an entry in ClinVar:

NM_017780.4(CHD7):c.5005A>C (p.Thr1669Pro)

Gene: CHD7 (chromodomain helicase DNA binding protein 7; plus strand). Cytogenetic location: 8q12.2.
Variant type: single nucleotide variant.
Coding change: c.5005A>C on transcript NM_017780.4 (MANE Select); coding-DNA position 5005, A replaced by C.
Protein change: p.Thr1669Pro; replaces threonine 1669 with proline.
Molecular consequence: missense variant. On other transcripts: intron variant (1).
Genome position (GRCh38, 1-based): chr8:60,845,018, A>C. VCF-style: chr8-60845018-A-C. GRCh37 (hg19) VCF-style: chr8-61757577-A-C.
Other names: c.1717-17211A>C (NM_001316690.1); short protein forms T1669P.
Identifiers: ClinVar variation 2694925 (VCV002694925.3), dbSNP rs2487971026, ClinGen allele CA371320076.

ClinVar aggregate classification (germline): Uncertain significance (1 of 4 stars; one submission).

Conditions:
CHARGE syndrome (CHARGE). Also called: Hittner Hirsch Kreh syndrome; CHARGE ASSOCIATION--COLOBOMA, HEART ANOMALY, CHOANAL ATRESIA, RETARDATION, GENITAL AND EAR ANOMALIES; Coloboma, heart anomaly, choanal atresia, retardation, genital and ear anomalies; CHARGE association; Hall-Hittner syndrome. Identifiers: Orphanet 138, MedGen C0265354, MONDO:0008965.

Submission:

Labcorp Genetics (formerly Invitae), Labcorp
Classification: Uncertain significance for CHARGE syndrome. Last evaluated: 2023-11-10. Review status: criteria provided, single submitter. Criteria: Invitae Variant Classification Sherloc (09022015). Collection method: clinical testing. Allele origin: germline.
Comment: This sequence change replaces threonine, which is neutral and polar, with proline, which is neutral and non-polar, at codon 1669 of the CHD7 protein (p.Thr1669Pro). This variant is not present in population databases (gnomAD no frequency). This variant has not been reported in the literature in individuals affected with CHD7-related conditions. Advanced modeling of protein sequence and biophysical properties (such as structural, functional, and spatial information, amino acid conservation, physicochemical variation, residue mobility, and thermodynamic stability) performed at Invitae indicates that this missense variant is expected to disrupt CHD7 protein function with a positive predictive value of 95%. In summary, the available evidence is currently insufficient to determine the role of this variant in disease. Therefore, it has been classified as a Variant of Uncertain Significance.